The following is an entry in ClinVar:

NM_000245.4(MET):c.2211T>C (p.Ser737=)

Gene: MET (MET proto-oncogene, receptor tyrosine kinase; plus strand). Cytogenetic location: 7q31.2.
Variant type: single nucleotide variant.
Coding change: c.2211T>C on transcript NM_000245.4 (MANE Select); coding-DNA position 2211, T replaced by C.
Protein change: p.Ser737=; no amino-acid change (serine 737 retained).
Molecular consequence: synonymous variant.
Genome position (GRCh38, 1-based): chr7:116,758,567, T>C. VCF-style: chr7-116758567-T-C. GRCh37 (hg19) VCF-style: chr7-116398621-T-C.
Other names: c.2211T>C, p.Ser737= (NM_001127500.3, NM_001324401.3); c.921T>C, p.Ser307= (NM_001324402.2).
Identifiers: ClinVar variation 3719766 (VCV003719766.3).

ClinVar aggregate classification (germline): Benign/Likely benign. Review status: criteria provided, multiple submitters, no conflicts (2 of 4 stars). 2 submissions from 2 submitters: Benign (1); Likely benign (1). Last evaluated 2024-11-30.

Conditions:
Renal cell carcinoma. Identifiers: Orphanet 217071, MedGen C0007134, MeSH D002292, MONDO:0005086, HP:0005584.
Papillary renal cell carcinoma type 1 (RCCP1). Also called: RENAL CELL CARCINOMA, PAPILLARY, 1, SOMATIC; Renal adenocarcinoma; Renal cell carcinoma 1; Renal cell carcinoma, somatic. Identifiers: Orphanet 47044, MedGen C1336839, OMIM 605074, HP:0011797.

gnomAD v4.1: 3 of 1,613,702 alleles (0.00019%); highest among the groups gnomAD compares: Admixed American, 0.0017%; no homozygotes.

Submissions (2):

Labcorp Genetics (formerly Invitae), Labcorp
Classification: Likely benign for Renal cell carcinoma. Last evaluated: 2024-11-30. Review status: criteria provided, single submitter. Criteria: Invitae Variant Classification Sherloc (09022015). Collection method: clinical testing. Allele origin: germline.

Myriad Genetics, Inc.
Classification: Benign for Papillary renal cell carcinoma type 1. Last evaluated: 2024-11-08. Review status: criteria provided, single submitter. Criteria: Myriad Autosomal Dominant, Autosomal Recessive and X-Linked Classification Criteria (2023). Collection method: clinical testing. Allele origin: unknown.
Comment: This variant is considered benign. This variant is a silent/synonymous amino acid change and it is not expected to impact splicing.